The following is an entry in ClinVar:

NM_002692.4(POLE2):c.31C>T (p.Leu11Phe)

Gene: POLE2 (DNA polymerase epsilon 2, accessory subunit; minus strand). Cytogenetic location: 14q21.3.
Variant type: single nucleotide variant.
Coding change: c.31C>T on transcript NM_002692.4 (MANE Select); coding-DNA position 31, C replaced by T.
Protein change: p.Leu11Phe; replaces leucine 11 with phenylalanine.
Molecular consequence: missense variant. On other transcripts: 5 prime UTR variant (1).
Genome position (GRCh38, 1-based): chr14:49,688,173, G>A on the plus strand (C>T on the coding strand, the complement: POLE2 is on the minus strand). VCF-style: chr14-49688173-G-A. GRCh37 (hg19) VCF-style: chr14-50154891-G-A.
Other names: c.31C>T (NM_002692.3); c.31C>T, p.Leu11Phe (NM_001197330.2, NM_001197331.3, NM_001348384.2); c.-205C>T (NM_001348385.2); short protein forms L11F.
Identifiers: ClinVar variation 2975676 (VCV002975676.4), dbSNP rs1887306214, ClinGen allele CA389618025.

ClinVar aggregate classification (germline): Uncertain significance. Review status: criteria provided, multiple submitters, no conflicts (2 of 4 stars). 2 submissions from 2 submitters: Uncertain significance (2). Last evaluated 2024-08-01.

Allele frequency attached by ClinVar (database versions not stated): gnomAD exomes below 0.00001.
gnomAD v4.1: 3 of 1,548,470 alleles (0.00019%); highest among the groups gnomAD compares: African/African-American, 0.0014%; no homozygotes.

Submissions (2):

Ambry Genetics
Classification: Uncertain significance. Last evaluated: 2024-08-01. Review status: criteria provided, single submitter. Criteria: Ambry Variant Classification Scheme 2023. Collection method: clinical testing. Allele origin: germline.

Labcorp Genetics (formerly Invitae), Labcorp
Classification: Uncertain significance. Last evaluated: 2024-05-20. Review status: criteria provided, single submitter. Criteria: Invitae Variant Classification Sherloc (09022015). Collection method: clinical testing. Allele origin: germline.
Comment: This sequence change replaces leucine, which is neutral and non-polar, with phenylalanine, which is neutral and non-polar, at codon 11 of the POLE2 protein (p.Leu11Phe). This variant is not present in population databases (gnomAD no frequency). This variant has not been reported in the literature in individuals affected with POLE2-related conditions. An algorithm developed to predict the effect of missense changes on protein structure and function (PolyPhen-2) suggests that this variant is likely to be tolerated. In summary, the available evidence is currently insufficient to determine the role of this variant in disease. Therefore, it has been classified as a Variant of Uncertain Significance.